The following is an entry in ClinVar:

NM_000642.3(AGL):c.1735+1G>A

Gene: AGL (amylo-alpha-1,6-glucosidase and 4-alpha-glucanotransferase; plus strand). Cytogenetic location: 1p21.2.
Variant type: single nucleotide variant.
Coding change: c.1735+1G>A on transcript NM_000642.3 (MANE Select); the canonical splice donor site of the intron after coding-DNA position 1735, G replaced by A.
Molecular consequence: splice donor variant.
Genome position (GRCh38, 1-based): chr1:99,880,047, G>A. VCF-style: chr1-99880047-G-A. GRCh37 (hg19) VCF-style: chr1-100345603-G-A.
Other names: c.1687+1G>A (NM_000646.3); c.1735+1G>A (NM_001425326.1, NM_001425325.1, NM_000028.3 and 2 more transcripts); c.1534+1G>A (NM_001425327.1); c.1531+1G>A (NM_001425328.1, NM_001425329.1); c.1357+1G>A (NM_001425332.1).
Identifiers: ClinVar variation 3720232 (VCV003720232.4).

ClinVar aggregate classification (germline): Pathogenic/Likely pathogenic. Review status: criteria provided, multiple submitters, no conflicts (2 of 4 stars). 2 submissions from 2 submitters: Pathogenic (1); Likely pathogenic (1). Last evaluated 2024-07-16.

Conditions:
Glycogen storage disease type III (GSD3). Also called: Cori disease; FORBES DISEASE. Identifiers: Orphanet 366, MedGen C0017922, MONDO:0009291, OMIM 232400.

gnomAD v4.1: 1 of 1,613,308 alleles (0.000062%); highest among the groups gnomAD compares: African/African-American, 0.0013%; no homozygotes.

Submissions (2):

Labcorp Genetics (formerly Invitae), Labcorp
Classification: Pathogenic for Glycogen storage disease type III. Last evaluated: 2024-07-16. Review status: criteria provided, single submitter. Criteria: Invitae Variant Classification Sherloc (09022015). Collection method: clinical testing. Allele origin: germline.
Comment: This sequence change affects a donor splice site in intron 13 of the AGL gene. RNA analysis indicates that disruption of this splice site induces altered splicing and may result in an absent or altered protein product. This variant is not present in population databases (gnomAD no frequency). Disruption of this splice site has been observed in individual(s) with glycogen storage disease type III (PMID: 26984562, 29614965). In at least one individual the data is consistent with being in trans (on the opposite chromosome) from a pathogenic variant. It has also been observed to segregate with disease in related individuals. Studies have shown that disruption of this splice site results in skipping of exon 13, and produces a non-functional protein and/or introduces a premature termination codon (PMID: 8702417). For these reasons, this variant has been classified as Pathogenic.

Juno Genomics, Hangzhou Juno Genomics, Inc
Classification: Likely pathogenic for Glycogen storage disease type III. Review status: criteria provided, single submitter. Criteria: ACMG Guidelines, 2015. Collection method: clinical testing. Allele origin: germline.
Comment: Null variant in a gene where loss of function (LOF) is a known mechanism of disease.;Absent from controls (or at extremely low frequency if recessive) in Genome Aggregation Database.

Literature cited by the submitters: PubMed 26984562 (cited by Labcorp Genetics (formerly Invitae), Labcorp); PubMed 29614965 (cited by Labcorp Genetics (formerly Invitae), Labcorp); PubMed 8702417 (cited by Labcorp Genetics (formerly Invitae), Labcorp).